The following is an entry in ClinVar:

ClinVar aggregate classification (germline): Conflicting classifications of pathogenicity. Review status: criteria provided, conflicting classifications (1 of 4 stars). 2 submissions from 2 submitters: Likely pathogenic (1); Uncertain significance (1). Last evaluated 2025-09-23.

Conditions:
Cardiovascular phenotype. Identifiers: MedGen CN230736.
Arrhythmogenic right ventricular dysplasia 9 (ARVD9). Also called: ARRHYTHMOGENIC RIGHT VENTRICULAR DYSPLASIA, FAMILIAL, 9; Arrhythmogenic Right Ventricular Dysplasia/Cardiomyopathy 9. Identifiers: MedGen C1836906, MONDO:0012180, OMIM 609040.

Submissions (2):

Labcorp Genetics (formerly Invitae), Labcorp
Classification: Likely pathogenic for Arrhythmogenic right ventricular dysplasia 9. Last evaluated: 2025-09-23. Review status: criteria provided, single submitter. Criteria: Invitae Variant Classification Sherloc (09022015). Collection method: clinical testing. Allele origin: germline.
Comment: This variant results in the deletion of part of exon 6 (c.1442_1510+239del) of the PKP2 gene. It is expected to disrupt RNA splicing. Variants that disrupt the donor or acceptor splice site typically lead to a loss of protein function (PMID: 16199547), and loss-of-function variants in PKP2 are known to be pathogenic (PMID: 15489853, 17041889, 23911551). This variant is not present in population databases (gnomAD no frequency). This variant has not been reported in the literature in individuals affected with PKP2-related conditions. In summary, the currently available evidence indicates that the variant is pathogenic, but additional data are needed to prove that conclusively. Therefore, this variant has been classified as Likely Pathogenic.

Ambry Genetics
Classification: Uncertain significance for Cardiovascular phenotype. Last evaluated: 2025-02-24. Review status: criteria provided, single submitter. Criteria: Ambry Variant Classification Scheme 2023. Collection method: clinical testing. Allele origin: germline.
Comment: The c.1442_1510+239del308 gross deletion includes at least a portion of coding exon 6 and involves the canonical splice donor site after coding exon 6 of the PKP2 gene. Canonical splice site alterations are typically deleterious in nature, and loss of PKP2 function is an accepted mechanism of disease. However, pathogenicity has not been established for alterations in exon 6 of PKP2. The exon is alternatively spliced, and the predominant isoform in human cardiac tissue, PKP2A, does not include exon 6 (Gandjbakhch E et al. Heart. 2011;97(10):844-9). Since supporting evidence is limited at this time, the clinical significance of this alteration is unclear.

Literature cited by the submitters: PubMed 16199547 (cited by Labcorp Genetics (formerly Invitae), Labcorp); PubMed 15489853 (cited by Labcorp Genetics (formerly Invitae), Labcorp); PubMed 17041889 (cited by Labcorp Genetics (formerly Invitae), Labcorp); PubMed 23911551 (cited by Labcorp Genetics (formerly Invitae), Labcorp).

NM_001005242.3(PKP2):c.1379-2045_1379-1738del

Gene: PKP2 (plakophilin 2; minus strand). Cytogenetic location: 12p11.21.
Variant type: Deletion.
Coding change: c.1379-2045_1379-1738del on transcript NM_001005242.3 (MANE Select); 2045 bases into the intron before coding-DNA position 1379 through 1738 bases into the intron before coding-DNA position 1379, 308 bases deleted.
Molecular consequence: intron variant. On other transcripts: splice donor variant (1).
Genome position (GRCh38, 1-based): chr12:32,842,943-32,843,250, 308 bases deleted. GRCh37 (hg19): chr12:32,995,896-32,996,203.
Other names: c.1442_1510+239del (NM_004572.4).
Identifiers: ClinVar variation 1501355 (VCV001501355.9), dbSNP rs2137836547, ClinGen allele CA2573148595.